The following is an entry in ClinVar:

ClinVar aggregate classification (germline): Conflicting classifications of pathogenicity. Review status: criteria provided, conflicting classifications (1 of 4 stars). 2 submissions from 2 submitters: Uncertain significance (1); Likely benign (1). Last evaluated 2025-04-03.

Allele frequency attached by ClinVar (database versions not stated): 1000 Genomes Project 0.00040; 1000 Genomes Project 30x 0.00031; gnomAD 0.00009 and 0.00007; ExAC 0.00012; ESP Exome Variant Server 0.00015.
gnomAD v4.1: 238 of 1,613,090 alleles (0.015%); highest among the groups gnomAD compares: East Asian, 0.18%; no homozygotes.

Submissions (2):

ARUP Laboratories, Molecular Genetics and Genomics, ARUP Laboratories
Classification: Uncertain significance. Last evaluated: 2025-04-03. Review status: criteria provided, single submitter. Criteria: ARUP Molecular Germline Variant Investigation Process 2024. Collection method: clinical testing. Allele origin: germline.
Comment: The TTN NM_133379.5 c.10843C>T; p.Arg3615Trp variant (rs148722376; ClinVar Variation ID: 1194737) is rare in the general population (<0.2% allele frequency in the Genome Aggregation Database) and has not been reported in the medical literature in association with dilated cardiomyopathy (DCM) or other TTN-related disease. The clinical relevance of rare missense variants in this gene, which are identified on average once per individual sequenced in affected populations (Herman 2012), is not well understood. Yet, evidence suggests that the vast majority of such missense variants do not contribute to the clinical outcome of DCM (Begay 2015). Thus, the clinical significance of the p.Arg3615Trp variant cannot be determined with certainty. Begay RL et al. Role of Titin Missense Variants in Dilated Cardiomyopathy. J Am Heart Assoc. 2015 Nov 13;4(11). PMID: 26567375. Herman DS et al. Truncations of titin causing dilated cardiomyopathy. N Engl J Med. 2012 Feb 16;366(7):619-28. PMID: 22335739. Linke WA and Hamdani N. Gigantic business: titin properties and function through thick and thin. Circ Res 2014; 114(6): 1052-1068. PMID: 24625729.

GeneDx
Classification: Likely benign. Last evaluated: 2019-08-12. Review status: criteria provided, single submitter. Criteria: GeneDx Variant Classification Process June 2021. Collection method: clinical testing. Allele origin: germline. Affected: yes.

NM_133379.5(TTN):c.10843C>T (p.Arg3615Trp)

Gene: TTN (titin; minus strand). Cytogenetic location: 2q31.2.
Variant type: single nucleotide variant.
Coding change: c.10843C>T on transcript NM_133379.5; coding-DNA position 10843, C replaced by T.
Protein change: p.Arg3615Trp; replaces arginine 3615 with tryptophan.
Molecular consequence: missense variant. On other transcripts: intron variant (6).
Genome position (GRCh38, 1-based): chr2:178,751,557, G>A on the plus strand (C>T on the coding strand, the complement: TTN is on the minus strand). VCF-style: chr2-178751557-G-A. GRCh37 (hg19) VCF-style: chr2-179616284-G-A.
Other names: c.10222+1567C>T (NM_003319.4); c.10798+1567C>T (NM_133437.4); c.10597+1567C>T (NM_133432.3); c.10360+1567C>T (NM_133378.4, NM_001256850.1); c.11311+1567C>T (NM_001267550.2); short protein forms R3615W.
Identifiers: ClinVar variation 1194737 (VCV001194737.3), dbSNP rs148722376, ClinGen allele CA2003836.